The following is an entry in ClinVar:

NM_004560.4(ROR2):c.1969C>T (p.Arg657Cys)

Gene: ROR2 (ROR family WNT receptor 2; minus strand). Cytogenetic location: 9q22.31.
Variant type: single nucleotide variant.
Coding change: c.1969C>T on transcript NM_004560.4 (MANE Select); coding-DNA position 1969, C replaced by T.
Protein change: p.Arg657Cys; replaces arginine 657 with cysteine.
Molecular consequence: missense variant.
Genome position (GRCh38, 1-based): chr9:91,724,525, G>A on the plus strand (C>T on the coding strand, the complement: ROR2 is on the minus strand). VCF-style: chr9-91724525-G-A. GRCh37 (hg19) VCF-style: chr9-94486807-G-A.
Other names: short protein forms R657C.
Identifiers: ClinVar variation 1187123 (VCV001187123.4), dbSNP rs753875871, ClinGen allele CA5120517.
Genomic context (GRCh38, chr9:91,724,525, plus strand): 5'-ACCAGATGTCTGAGTCGATGGAGAACTTGCCGTACATGATGGCCTCTGGGGCCATCCAGC[G>A]GATAGGCAGCAGCGAGTTCCCCAGCAGCTTGTAGTAATCGGCGGCATACACCTCTCGGAA-3'
Protein context (NP_004551.2, residues 647-667): KLLGNSLLPI[Arg657Cys]WMAPEAIMYG

ClinVar aggregate classification (germline): Conflicting classifications of pathogenicity. Review status: criteria provided, conflicting classifications (1 of 4 stars). 3 submissions from 3 submitters: Likely pathogenic (1); Uncertain significance (1). 1 of the submissions does not count toward it. Last evaluated 2024-01-20.

Conditions:
ROR2-related disorder. Also called: ROR2-related condition; ROR2-related disorders.
Brachydactyly type B1 (BDB1). Identifiers: Orphanet 572385, Orphanet 93383, MedGen C1862112, MONDO:0007220, OMIM 113000.
Autosomal recessive Robinow syndrome (RRS1). Also called: ROR2-Related Robinow Syndrome; ROBINOW SYNDROME, AUTOSOMAL RECESSIVE 1; COSTOVERTEBRAL SEGMENTATION DEFECT WITH MESOMELIA; COVESDEM SYNDROME. Identifiers: Orphanet 1507, Orphanet 97360, MedGen C5399974, MONDO:0009999, OMIM 268310.

Allele frequency attached by ClinVar (database versions not stated): gnomAD exomes below 0.00001; TOPMed below 0.00001; ExAC 0.00001.
gnomAD v4.1: 3 of 1,614,168 alleles (0.00019%); highest among the groups gnomAD compares: Admixed American, 0.0017%; no homozygotes.

Submissions (3):

Fulgent Genetics
Classification: Uncertain significance for Brachydactyly type B1; Autosomal recessive Robinow syndrome. Last evaluated: 2024-01-20. Review status: criteria provided, single submitter. Criteria: ACMG Guidelines, 2015. Collection method: clinical testing. Allele origin: germline.

GeneDx
Classification: Likely pathogenic. Last evaluated: 2020-03-13. Review status: criteria provided, single submitter. Criteria: GeneDx Variant Classification Process June 2021. Collection method: clinical testing. Allele origin: germline. Affected: yes.
Comment: Not observed at a significant frequency in large population cohorts (Lek et al., 2016); In silico analysis, which includes protein predictors and evolutionary conservation, supports a deleterious effect; Has not been previously published as pathogenic or benign to our knowledge

PreventionGenetics, part of Exact Sciences
Classification: Uncertain significance for ROR2-related condition. Last evaluated: 2024-03-20. Review status: no assertion criteria provided. Collection method: clinical testing. Allele origin: germline. Not counted in ClinVar's aggregate classification.
Comment: The ROR2 c.1969C>T variant is predicted to result in the amino acid substitution p.Arg657Cys. To our knowledge, this variant has not been reported in the literature. This variant is reported in 0.00088% of alleles in individuals of European (Non-Finnish) descent in gnomAD. A different substitution (p.Arg657His) at this amino acid position has been reported in patients with Robinow syndrome (Conlon et al. 2021. PubMed ID: 33237614; Table S1, Shamseldin et al. 2021. PubMed ID: 34645488; Table S6, Maddirevula et al. 2018. PubMed ID: 29620724). Although we suspect that this variant may be pathogenic, at this time, the clinical significance of this variant is uncertain due to the absence of conclusive functional and genetic evidence.